The following is an entry in ClinVar:

ClinVar aggregate classification (germline): Pathogenic/Likely pathogenic. Review status: criteria provided, multiple submitters, no conflicts (2 of 4 stars). 8 submissions from 8 submitters: Pathogenic (3); Likely pathogenic (5). Last evaluated 2025-10-01.

Conditions:
Hereditary spherocytosis type 2. Also called: SPHEROCYTOSIS, TYPE 2, AUTOSOMAL DOMINANT. Identifiers: Orphanet 822, MedGen C2674219, MONDO:0000913, OMIM 616649.
SPTB-related disorder. Also called: SPTB-Related Disorders; SPTB-related condition.
Elliptocytosis 3 (EL3). Identifiers: MedGen C1866810, MONDO:0054780, OMIM 617948.

Submissions (8):

Labcorp Genetics (formerly Invitae), Labcorp
Classification: Pathogenic. Last evaluated: 2025-10-01. Review status: criteria provided, single submitter. Criteria: Invitae Variant Classification Sherloc (09022015). Collection method: clinical testing. Allele origin: germline.
Comment: This sequence change replaces arginine, which is basic and polar, with glutamine, which is neutral and polar, at codon 216 of the SPTB protein (p.Arg216Gln). This variant also falls at the last nucleotide of exon 5, which is part of the consensus splice site for this exon. This variant is not present in population databases (gnomAD no frequency). This missense change has been observed in individual(s) with clinical features of hereditary spherocytosis (PMID: 29572776, 33074480, 35406697). It has also been observed to segregate with disease in related individuals. ClinVar contains an entry for this variant (Variation ID: 544811). An algorithm developed to predict the effect of missense changes on protein structure and function (PolyPhen-2) suggests that this variant is likely to be disruptive. Variants that disrupt the consensus splice site are a relatively common cause of aberrant splicing (PMID: 17576681, 9536098). Algorithms developed to predict the effect of sequence changes on RNA splicing suggest that this variant may disrupt the consensus splice site. For these reasons, this variant has been classified as Pathogenic.

GeneDx
Classification: Likely pathogenic. Last evaluated: 2025-07-08. Review status: criteria provided, single submitter. Criteria: GeneDx Variant Classification Process June 2021. Collection method: clinical testing. Allele origin: germline.
Comment: Not observed at significant frequency in large population cohorts (gnomAD); In silico analysis supports that this missense variant has a deleterious effect on protein structure/function; This variant is associated with the following publications: (PMID: 29572776, 31980736, 33074480, deWilde2025[Article], 38556258)

Mayo Clinic Laboratories, Mayo Clinic
Classification: Pathogenic. Last evaluated: 2024-12-24. Review status: criteria provided, single submitter. Criteria: ACMG Guidelines, 2015. Collection method: clinical testing. Allele origin: germline. Observed: 6 variant alleles.

Revvity Omics, Revvity
Classification: Likely pathogenic. Last evaluated: 2024-09-17. Review status: criteria provided, single submitter. Criteria: ACMG Guidelines, 2015. Collection method: clinical testing. Allele origin: germline.

PreventionGenetics, part of Exact Sciences
Classification: Likely pathogenic for SPTB-related condition. Last evaluated: 2023-02-07. Review status: criteria provided, single submitter. Criteria: ACMG Guidelines, 2015. Collection method: clinical testing. Allele origin: germline.
Comment: The SPTB c.647G>A variant is predicted to result in the amino acid substitution p.Arg216Gln. This variant was reported in an individual with jaundice and a patient with hereditary spherocytosis (Wang et al 2018. PubMed ID: 29572776; Vives-Corrons JL et al 2020. PubMed ID: 33074480). This variant has not been reported in a large population database, indicating this variant is rare. The c.647G>A variant also resides at the exon/intron boundary and is predicted to weaken the splice donor site based on available splicing prediction programs (Alamut v.2.11). We have observed the c.647G>A variant at PreventionGenetics in other patients with hereditary spherocytosis. This variant is interpreted as likely pathogenic.

Blueprint Genetics
Classification: Pathogenic for SPTB-related disorders. Last evaluated: 2021-03-30. Review status: criteria provided, single submitter. Criteria: ACMG Guidelines, 2015. Collection method: clinical testing. Allele origin: germline. Affected: yes. Observed: 2 variant alleles.

Department of Genetic, Henri Mondor Hospital, Assistance Publique des Hôpitaux de Paris
Classification: Likely pathogenic for Hereditary spherocytosis type 2. Last evaluated: 2018-02-27. Review status: criteria provided, single submitter. Criteria: ACMG Guidelines, 2015. Collection method: clinical testing. Allele origin: germline. Affected: yes.

Juno Genomics, Hangzhou Juno Genomics, Inc
Classification: Likely pathogenic for Elliptocytosis 3; Hereditary spherocytosis type 2. Review status: criteria provided, single submitter. Criteria: ACMG Guidelines, 2015. Collection method: clinical testing. Allele origin: germline. Affected: yes.
Comment: Absent from controls (or at extremely low frequency if recessive) in Genome Aggregation Database, Exome Sequencing Project, 1000 Genomes Project, or Exome Aggregation Consortium.;Multiple lines of computational evidence support a deleterious effect on the gene or gene product (conservation, evolutionary, splicing impact, etc).;The prevalence of the variant in affected individuals is significantly increased compared to the prevalence in controls.;Patient's phenotype or family history is highly specific for a disease with a single genetic etiology.;Co-segregation with disease in multiple affected family members in a gene definitively known to cause the disease.

Literature cited by the submitters: PubMed 29572776 (cited by Labcorp Genetics (formerly Invitae), Labcorp); PubMed 33074480 (cited by Labcorp Genetics (formerly Invitae), Labcorp and Mayo Clinic Laboratories, Mayo Clinic); PubMed 35406697 (cited by Labcorp Genetics (formerly Invitae), Labcorp and Mayo Clinic Laboratories, Mayo Clinic); PubMed 17576681 (cited by Labcorp Genetics (formerly Invitae), Labcorp); PubMed 9536098 (cited by Labcorp Genetics (formerly Invitae), Labcorp); PubMed 31980736 (cited by Mayo Clinic Laboratories, Mayo Clinic); PubMed 32596782 (cited by Mayo Clinic Laboratories, Mayo Clinic); PubMed 38556258 (cited by Mayo Clinic Laboratories, Mayo Clinic).

NM_001355436.2(SPTB):c.647G>A (p.Arg216Gln)

Gene: SPTB (spectrin beta, erythrocytic; minus strand). Cytogenetic location: 14q23.3.
Variant type: single nucleotide variant.
Coding change: c.647G>A on transcript NM_001355436.2 (MANE Select); coding-DNA position 647, G replaced by A.
Protein change: p.Arg216Gln; replaces arginine 216 with glutamine.
Molecular consequence: missense variant.
Genome position (GRCh38, 1-based): chr14:64,801,754, C>T on the plus strand (G>A on the coding strand, the complement: SPTB is on the minus strand). VCF-style: chr14-64801754-C-T. GRCh37 (hg19) VCF-style: chr14-65268472-C-T.
Other names: p.Arg216Gln; NM_000347.5:c.647G>A; c.647G>A (NM_001024858.2, NM_001355436.1); c.647G>A, p.Arg216Gln (NM_001024858.4, NM_001355437.2); short protein forms R216Q.
Identifiers: ClinVar variation 544811 (VCV000544811.17), dbSNP rs1555371769, ClinGen allele CA390031881.